The following is an entry in ClinVar:

ClinVar aggregate classification (germline): Pathogenic. Review status: criteria provided, single submitter (1 of 4 stars). 2 submissions from 2 submitters: Pathogenic (1). 1 of the submissions does not count toward it. Last evaluated 2021-06-12.

Conditions:
6-Pyruvoyl-tetrahydrobiopterin synthase deficiency. Also called: PTS DEFICIENCY; HYPERPHENYLALANINEMIA, TETRAHYDROBIOPTERIN-DEFICIENT, DUE TO PTS DEFICIENCY; Hyperphenylalanemia, BH4-deficient, A; Hyperphenylalaninemia due to 6-pyruvoyl-tetrahydropterin synthase deficiency; 6-Pyruvoyltetrahydropterin Synthase Deficiency; BH4-deficient hyperphenylalaninemia A. Identifiers: Orphanet 13, Orphanet 238583, MedGen C0878676, MONDO:0009863, OMIM 261640.

Submissions (2):

Labcorp Genetics (formerly Invitae), Labcorp
Classification: Pathogenic for 6-Pyruvoyl-tetrahydrobiopterin synthase deficiency. Last evaluated: 2021-06-12. Review status: criteria provided, single submitter. Criteria: Invitae Variant Classification Sherloc (09022015). Collection method: clinical testing. Allele origin: germline.
Comment: This variant is not present in population databases (ExAC no frequency). This sequence change falls in intron 2 of the PTS gene. It does not directly change the encoded amino acid sequence of the PTS protein. RNA analysis indicates that this variant induces altered splicing and may result in an absent or disrupted protein product. This variant has been observed in individual(s) with 6-pyruvoyl-tetrahydropterin synthase deficiency (PMID: 7493990, 8841415). In at least one individual the data is consistent with the variant being in trans (on the opposite chromosome) from a pathogenic variant. ClinVar contains an entry for this variant (Variation ID: 552046). For these reasons, this variant has been classified as Pathogenic. Studies have shown that this variant is associated with skipping of exon 3, which introduces a premature termination codon (PMID: 7493990, 8841415). The resulting mRNA is expected to undergo nonsense-mediated decay.

Counsyl
Classification: Uncertain significance for 6-Pyruvoyl-tetrahydrobiopterin synthase deficiency. Last evaluated: 2017-05-19. Review status: no assertion criteria provided. Collection method: clinical testing. Allele origin: unknown. Not counted in ClinVar's aggregate classification.

Literature cited by the submitters: PubMed 7493990 (cited by Labcorp Genetics (formerly Invitae), Labcorp and Counsyl); PubMed 8841415 (cited by Labcorp Genetics (formerly Invitae), Labcorp); PubMed 17001642 (cited by Counsyl).

NM_000317.3(PTS):c.164-7T>A

Gene: PTS (6-pyruvoyltetrahydropterin synthase; plus strand). Cytogenetic location: 11q23.1.
Variant type: single nucleotide variant.
Coding change: c.164-7T>A on transcript NM_000317.3 (MANE Select); 7 bases into the intron before coding-DNA position 164, T replaced by A.
Molecular consequence: intron variant.
Genome position (GRCh38, 1-based): chr11:112,230,201, T>A. VCF-style: chr11-112230201-T-A. GRCh37 (hg19) VCF-style: chr11-112100924-T-A.
Identifiers: ClinVar variation 552046 (VCV000552046.8), dbSNP rs1555198232, ClinGen allele CA658822415.
Genomic context (GRCh38, chr11:112,230,201, plus strand): 5'-CTTGTGCTTGGATGTTGATCTGTTGAAAGTCATGCTGTTTTTTTTGTATTTTGTTTTCTT[T>A]CCATAGTTGTGGTGACAGTACATGGAGAGGTATGTGCAGAAAATATTTGTGTGGTTTTTG-3'